The following is an entry in ClinVar:

ClinVar aggregate classification (germline): Benign/Likely benign. Review status: criteria provided, multiple submitters, no conflicts (2 of 4 stars). 6 submissions from 6 submitters: Benign (5); Likely benign (1). Last evaluated 2024-11-28.

Conditions:
Idiopathic CD4 lymphocytopenia. Also called: IDIOPATHIC CD4 LYMPHOPENIA; Immunodeficiency 13. Identifiers: Orphanet 228000, MedGen C3809768, MONDO:0014226, OMIM 615518.
Cone-rod dystrophy. Also called: Cone/cone-rod dystrophy; Cone-rod degeneration. Identifiers: Orphanet 1872, MedGen C4085590, MONDO:0015993, HP:0000548.

Allele frequency attached by ClinVar (database versions not stated): 1000 Genomes Project 0.06230; 1000 Genomes Project 30x 0.06262; TOPMed 0.11982; gnomAD 0.12546 and 0.12907; ExAC 0.13025; gnomAD exomes 0.13081 and 0.15932; ESP Exome Variant Server 0.14070.
gnomAD v4.1: 251,608 of 1,613,854 alleles (16%); highest among the groups gnomAD compares: Non-Finnish European, 18%; 22,085 homozygotes.

Submissions (6):

Blueprint Genetics
Classification: Likely benign. Last evaluated: 2024-11-28. Review status: criteria provided, single submitter. Criteria: ACMG Guidelines, 2015. Collection method: clinical testing. Allele origin: germline.

Mendelics
Classification: Benign for Idiopathic CD4 lymphocytopenia. Last evaluated: 2019-05-28. Review status: criteria provided, single submitter. Criteria: Mendelics Assertion Criteria 2017. Collection method: clinical testing. Allele origin: unknown.

Illumina Laboratory Services, Illumina
Classification: Benign for Cone-rod dystrophy. Last evaluated: 2018-01-12. Review status: criteria provided, single submitter. Criteria: ICSL Variant Classification Criteria 13 December 2019. Collection method: clinical testing. Allele origin: germline.
Comment: This variant was observed in the ICSL laboratory as part of a predisposition screen in an ostensibly healthy population. It had not been previously curated by ICSL or reported in the Human Gene Mutation Database (HGMD: prior to June 1st, 2018), and was therefore a candidate for classification through an automated scoring system. Utilizing variant allele frequency, disease prevalence and penetrance estimates, and inheritance mode, an automated score was calculated to assess if this variant is too frequent to cause the disease. Based on the score and internal cut-off values, a variant classified as benign is not then subjected to further curation. The score for this variant resulted in a classification of benign for this disease.

Laboratory for Molecular Medicine, Mass General Brigham Personalized Medicine
Classification: Benign. Last evaluated: 2016-03-29. Review status: criteria provided, single submitter. Criteria: LMM Criteria. Collection method: clinical testing. Allele origin: germline.
Comment: Variant identified in a genome or exome case(s) and assessed due to predicted null impact of the variant or pathogenic assertions in the literature or databases. Disclaimer: This variant has not undergone full assessment. The following are preliminary notes: Frequency

Breakthrough Genomics
Classification: Benign. Review status: criteria provided, single submitter. Criteria: ACMG Guidelines, 2015. Collection method: not provided. Allele origin: germline. Inheritance: Autosomal dominant inheritance. Affected: yes.

PreventionGenetics, part of Exact Sciences
Classification: Benign. Review status: criteria provided, single submitter. Criteria: ACMG Guidelines, 2015. Collection method: clinical testing. Allele origin: germline.

NM_005148.4(UNC119):c.*1C>T

Gene: UNC119 (unc-119 lipid binding chaperone; minus strand). Cytogenetic location: 17q11.2.
Variant type: single nucleotide variant.
Coding change: c.*1C>T on transcript NM_005148.4 (MANE Select); 1 bases downstream of the stop codon, C replaced by T.
Molecular consequence: 3 prime UTR variant.
Genome position (GRCh38, 1-based): chr17:28,547,296, G>A on the plus strand (C>T on the coding strand, the complement: UNC119 is on the minus strand). VCF-style: chr17-28547296-G-A. GRCh37 (hg19) VCF-style: chr17-26874314-G-A.
Other names: c.*1C>T (NM_001330166.2); c.*328C>T (NM_054035.2).
Identifiers: ClinVar variation 259652 (VCV000259652.12), dbSNP rs2070139, ClinGen allele CA8459687.
Genomic context (GRCh38, chr17:28,547,296, plus strand): 5'-TGGGGAGGTCACAGCTCCCAGCCCAGAACTGGAGCCTCCTGGGGTCAGGGCAGCCGTGGG[G>A]TCAGGGTGTCCCGCTGTAGGAATAGTCTGCTTTATTGTGCATCACCAGCCGGTCATCCAC-3'